The following is an entry in ClinVar:

NM_006180.6(NTRK2):c.1079C>T (p.Thr360Ile)

Gene: NTRK2 (neurotrophic receptor tyrosine kinase 2; plus strand). Cytogenetic location: 9q21.33.
Variant type: single nucleotide variant.
Coding change: c.1079C>T on transcript NM_006180.6 (MANE Select); coding-DNA position 1079, C replaced by T.
Protein change: p.Thr360Ile; replaces threonine 360 with isoleucine.
Molecular consequence: missense variant.
Genome position (GRCh38, 1-based): chr9:84,727,879, C>T. VCF-style: chr9-84727879-C-T. GRCh37 (hg19) VCF-style: chr9-87342794-C-T.
Other names: c.1079C>T, p.Thr360Ile (NM_001007097.3, NM_001018064.3, NM_001018065.2 and 16 more transcripts); c.1040C>T, p.Thr347Ile (NM_001291937.2, NM_001369546.1); c.611C>T, p.Thr204Ile (NM_001369535.1, NM_001369536.1, NM_001369550.1 and 2 more transcripts); short protein forms T204I, T347I, T360I.
Identifiers: ClinVar variation 1699774 (VCV001699774.2), dbSNP rs2132081765, ClinGen allele CA374008967.
Genomic context (GRCh38, chr9:84,727,879, plus strand): 5'-CGGAGTACCACGGCTGCCTCCAGCTGGATAATCCCACTCACATGAACAATGGGGACTACA[C>T]TCTAATAGCCAAGAATGAGTATGGGAAGGATGAGAAACAGATTTCTGCTCACTTCATGGG-3'
Protein context (NP_006171.2, residues 350-370): NPTHMNNGDY[Thr360Ile]LIAKNEYGKD

ClinVar aggregate classification (germline): Uncertain significance (1 of 4 stars; one submission).

Allele frequency attached by ClinVar (database versions not stated): gnomAD exomes below 0.00001.
gnomAD v4.1: 2 of 1,614,192 alleles (0.00012%); highest among the groups gnomAD compares: Non-Finnish European, 0.000085%; no homozygotes.

Submission:

GeneDx
Classification: Uncertain significance. Last evaluated: 2022-01-26. Review status: criteria provided, single submitter. Criteria: GeneDx Variant Classification Process June 2021. Collection method: clinical testing. Allele origin: germline. Affected: yes.
Comment: Has not been previously published as pathogenic or benign to our knowledge; Not observed at significant frequency in large population cohorts (gnomAD); In silico analysis supports that this missense variant has a deleterious effect on protein structure/function